The following is an entry in ClinVar:

NM_001077350.3(NPRL3):c.1015A>G (p.Asn339Asp)

Genes: HBA-LCR (alpha-globin locus control region; plus strand), NPRL3 (NPR3 like, GATOR1 complex subunit; minus strand). Cytogenetic location: 16p13.3.
Variant type: single nucleotide variant.
Coding change: c.1015A>G on transcript NM_001077350.3 (MANE Select); coding-DNA position 1015, A replaced by G.
Protein change: p.Asn339Asp; replaces asparagine 339 with aspartic acid.
Molecular consequence: missense variant.
Genome position (GRCh38, 1-based): chr16:93,235, T>C on the plus strand (A>G on the coding strand, the complement: NPRL3 is on the minus strand). VCF-style: chr16-93235-T-C. GRCh37 (hg19) VCF-style: chr16-143233-T-C.
Other names: c.478A>G, p.Asn160Asp (NM_001039476.3); c.781A>G, p.Asn261Asp (NM_001243247.2); c.940A>G, p.Asn314Asp (NM_001243248.2, NM_001243249.2); c.1015A>G (NM_001077350.2); short protein forms N160D, N261D, N314D, N339D.
Identifiers: ClinVar variation 2415925 (VCV002415925.7), dbSNP rs750771818, ClinGen allele CA7769488.
Genomic context (GRCh38, chr16:93,235, plus strand): 5'-CTTCCCACTCGGGGCTCCAGGCTCTGGCAGCCAGCAGCACTCACAGACATACGCTGGCAT[T>C]GGGAGACAGCATGTAGACGTTGTTCTCACACAGCGGGTAGATGATGATGGCCTTGCCCCA-3'
Protein context (NP_001070818.1, residues 329-349): CENNVYMLSP[Asn339Asp]ASVCLYSPLA

ClinVar aggregate classification (germline): Conflicting classifications of pathogenicity. Review status: criteria provided, conflicting classifications (1 of 4 stars). 2 submissions from 2 submitters: Uncertain significance (1); Likely benign (1). Last evaluated 2024-10-02.

Conditions:
Inborn genetic diseases. Identifiers: MedGen C0950123, MeSH D030342.
Epilepsy, familial focal, with variable foci 3 (FFEVF3). Identifiers: MedGen C4310708, MONDO:0014925, OMIM 617118.

Allele frequency attached by ClinVar (database versions not stated): TOPMed below 0.00001; gnomAD 0.00001; gnomAD exomes 0.00002; ExAC 0.00009.
gnomAD v4.1: 34 of 1,554,440 alleles (0.0022%); highest among the groups gnomAD compares: South Asian, 0.037%; no homozygotes.

Submissions (2):

Ambry Genetics
Classification: Likely benign for Inborn genetic diseases. Last evaluated: 2024-10-02. Review status: criteria provided, single submitter. Criteria: Ambry Variant Classification Scheme 2023. Collection method: clinical testing. Allele origin: germline.

Labcorp Genetics (formerly Invitae), Labcorp
Classification: Uncertain significance for Epilepsy, familial focal, with variable foci 3. Last evaluated: 2023-02-16. Review status: criteria provided, single submitter. Criteria: Invitae Variant Classification Sherloc (09022015). Collection method: clinical testing. Allele origin: germline.
Comment: This sequence change replaces asparagine, which is neutral and polar, with aspartic acid, which is acidic and polar, at codon 339 of the NPRL3 protein (p.Asn339Asp). This variant is present in population databases (rs750771818, gnomAD 0.03%). This variant has not been reported in the literature in individuals affected with NPRL3-related conditions. Advanced modeling of protein sequence and biophysical properties (such as structural, functional, and spatial information, amino acid conservation, physicochemical variation, residue mobility, and thermodynamic stability) performed at Invitae indicates that this missense variant is not expected to disrupt NPRL3 protein function. In summary, the available evidence is currently insufficient to determine the role of this variant in disease. Therefore, it has been classified as a Variant of Uncertain Significance.